The following is an entry in ClinVar:

NM_001048174.2(MUTYH):c.728A>T (p.Asp243Val)

Gene: MUTYH (mutY DNA glycosylase; minus strand). Cytogenetic location: 1p34.1.
Variant type: single nucleotide variant.
Coding change: c.728A>T on transcript NM_001048174.2 (MANE Select); coding-DNA position 728, A replaced by T.
Protein change: p.Asp243Val; replaces aspartic acid 243 with valine.
Molecular consequence: missense variant. On other transcripts: non-coding transcript variant (7).
Genome position (GRCh38, 1-based): chr1:45,332,287, T>A on the plus strand (A>T on the coding strand, the complement: MUTYH is on the minus strand). VCF-style: chr1-45332287-T-A. GRCh37 (hg19) VCF-style: chr1-45797959-T-A.
Other names: c.728A>T, p.Asp243Val (NM_001048171.2, NM_001048173.2, NM_001293195.2 and 6 more transcripts); c.731A>T, p.Asp244Val (NM_001048172.2, NM_001407071.1, NM_001407078.1 and 1 more transcripts); c.812A>T, p.Asp271Val (NM_001128425.2); c.773A>T, p.Asp258Val (NM_001293190.2); c.761A>T, p.Asp254Val (NM_001293191.2, NM_001407069.1, NM_001407077.1); c.452A>T, p.Asp151Val (NM_001293192.2, NM_001293196.2, NM_001407091.1); c.383A>T, p.Asp128Val (NM_001350650.2, NM_001350651.2, NM_001407082.1); c.644A>T, p.Asp215Val (NM_001407075.1); and 5 more; short protein forms D215V, D254V, D257V, D151V, D243V, D244V, D271V, D229V.
Identifiers: ClinVar variation 3914951 (VCV003914951.2).

ClinVar aggregate classification (germline): Likely pathogenic (1 of 4 stars; one submission).

Conditions:
Hereditary cancer-predisposing syndrome. Also called: Hereditary Cancer Syndrome; Hereditary neoplastic syndrome; Neoplastic Syndromes, Hereditary; Tumor predisposition. Identifiers: Orphanet 140162, MedGen C0027672, MeSH D009386, MONDO:0015356.

Submission:

Ambry Genetics
Classification: Likely pathogenic for Hereditary cancer-predisposing syndrome. Last evaluated: 2025-08-15. Review status: criteria provided, single submitter. Criteria: Ambry Variant Classification Scheme 2023. Collection method: clinical testing. Allele origin: germline.
Comment: The p.D271V variant (also known as c.812A>T), located in coding exon 10 of the MUTYH gene, results from an A to T substitution at nucleotide position 812. The aspartic acid at codon 271 is replaced by valine, an amino acid with highly dissimilar properties. In a massively parallel cell-based functional assay testing 7,8-dihydro-8- oxoguanine:adenine (8OG:A) repair activity, a byproduct of oxidative damage, this variant was reported to be non-functional (Hemker SL et al. Am J Hum Genet. Published online July 29, 2025. DOI: 10.1016/j.ajhg.2025.07.005). This amino acid position is well conserved in available vertebrate species. In addition, this alteration is predicted to be deleterious by in silico analysis. This variant is considered to be rare based on population cohorts in the Genome Aggregation Database (gnomAD). Based on the majority of available evidence to date, this variant is likely to be pathogenic.

Literature cited by the submitters: PubMed 40738107.